The following is an entry in ClinVar:

ClinVar aggregate classification (germline): Pathogenic (1 of 4 stars; one submission).

Submission:

GeneDx
Classification: Pathogenic. Last evaluated: 2014-06-12. Review status: criteria provided, single submitter. Criteria: GeneDx Variant Classification (06012015). Collection method: clinical testing. Allele origin: germline. Affected: yes.
Comment: c.5262delC: p.Cys1755AlafsX71 (C1755AfsX71) in exon 42 of the TSC2 gene (NM_000548.3). Using uppercase to denote exonic nucleotides and lowercase to denote intronic nucleotides, the surrounding sequence with the base that is deleted in braces is: agAT{C}TGCG.The c.5262delC mutation in the TSC2 gene causes a frameshift starting with codon Cysteine 1755, changes this amino acid to an Alanine residue, and creates a premature Stop codon at position 71 of the new reading frame, denoted p.Cys1755AlafsX71. This results in the replacement of 53 correct amino acids with 70 incorrect amino acids. This mutation has not been previously reported to our knowledge. The variant is found in EPILEPSY panel(s).

NM_000548.5(TSC2):c.5262del (p.Cys1755fs)

Gene: TSC2 (TSC complex subunit 2; plus strand). Cytogenetic location: 16p13.3.
Variant type: Deletion.
Coding change: c.5262del on transcript NM_000548.5 (MANE Select); coding-DNA position 5262, one base deleted (C; older notation c.5262delC).
Protein change: p.Cys1755fs; shifts the reading frame from cysteine 1755.
Molecular consequence: frameshift variant.
Genome position (GRCh38, 1-based): chr16:2,088,448, C deleted. VCF-style (leftmost placement, unchanged base first): chr16-2088447-TC-T. GRCh37 (hg19) VCF-style: chr16-2138448-TC-T.
Other names: c.5061del, p.Cys1688fs (NM_001077183.3); c.5193del, p.Cys1732fs (NM_001114382.3); c.4953del, p.Cys1652fs (NM_001318827.2); c.4917del, p.Cys1640fs (NM_001318829.2); c.4530del, p.Cys1511fs (NM_001318831.2); c.5094del, p.Cys1699fs (NM_001318832.2); c.5064del, p.Cys1689fs (NM_001363528.2); c.5130del, p.Cys1711fs (NM_001370404.1); and 2 more; short protein forms C1640fs, C1688fs, C1699fs, C1712fs, C1732fs, C1511fs, C1708fs, C1755fs.
Identifiers: ClinVar variation 207777 (VCV000207777.1), dbSNP rs796053507, ClinGen allele CA319578.